The following is an entry in ClinVar:

NM_052925.4(LENG8):c.1848C>T (p.Arg616=)

Gene: LENG8 (leukocyte receptor cluster member 8; plus strand). Cytogenetic location: 19q13.42.
Variant type: single nucleotide variant.
Coding change: c.1848C>T on transcript NM_052925.4 (MANE Select); coding-DNA position 1848, C replaced by T.
Protein change: p.Arg616=; no amino-acid change (arginine 616 retained).
Molecular consequence: synonymous variant.
Genome position (GRCh38, 1-based): chr19:54,457,948, C>T. VCF-style: chr19-54457948-C-T. GRCh37 (hg19) VCF-style: chr19-54969127-C-T.
Other names: c.1848C>T, p.Arg616= (NM_001375638.1, NM_001375640.1, NM_001375641.1); c.1794C>T, p.Arg598= (NM_001375639.1); c.1737C>T, p.Arg579= (NM_001411063.1).
Identifiers: ClinVar variation 3037344 (VCV003037344.2), dbSNP rs551413817, ClinGen allele CA309660426.

ClinVar aggregate classification (germline): Likely benign (0 of 4 stars; one submission).

Conditions:
LENG8-related disorder. Also called: LENG8-related condition.

Allele frequency attached by ClinVar (database versions not stated): TOPMed 0.00001; ExAC 0.00002; gnomAD 0.00003; 1000 Genomes Project 30x 0.00016; 1000 Genomes Project 0.00020.
gnomAD v4.1: 23 of 1,613,932 alleles (0.0014%); highest among the groups gnomAD compares: Middle Eastern, 0.016%; no homozygotes.

Submission:

PreventionGenetics, part of Exact Sciences
Classification: Likely benign for LENG8-related condition. Last evaluated: 2019-05-03. Review status: no assertion criteria provided. Collection method: clinical testing. Allele origin: germline.
Comment: This variant is classified as likely benign based on ACMG/AMP sequence variant interpretation guidelines (Richards et al. 2015 PMID: 25741868, with internal and published modifications).